The following is an entry in ClinVar:

ClinVar aggregate classification (germline): Uncertain significance. Review status: criteria provided, multiple submitters, no conflicts (2 of 4 stars). 3 submissions from 3 submitters: Uncertain significance (3). Last evaluated 2024-12-17.

Conditions:
Joubert syndrome 25 (JBTS25). Identifiers: Orphanet 475, MedGen C4084842, MONDO:0014770, OMIM 616781.
Inborn genetic diseases. Identifiers: MedGen C0950123, MeSH D030342.

Allele frequency attached by ClinVar (database versions not stated): gnomAD exomes below 0.00001 and 0.00002; ExAC 0.00003; gnomAD 0.00005; TOPMed 0.00006.
gnomAD v4.1: 10 of 1,613,712 alleles (0.00062%); highest among the groups gnomAD compares: African/African-American, 0.012%; no homozygotes.

Submissions (3):

Ambry Genetics
Classification: Uncertain significance for Inborn genetic diseases. Last evaluated: 2024-12-17. Review status: criteria provided, single submitter. Criteria: Ambry Variant Classification Scheme 2023. Collection method: clinical testing. Allele origin: germline.

Labcorp Genetics (formerly Invitae), Labcorp
Classification: Uncertain significance for Joubert syndrome 25. Last evaluated: 2024-10-07. Review status: criteria provided, single submitter. Criteria: Invitae Variant Classification Sherloc (09022015). Collection method: clinical testing. Allele origin: germline.
Comment: This sequence change replaces histidine, which is basic and polar, with tyrosine, which is neutral and polar, at codon 524 of the CEP104 protein (p.His524Tyr). This variant is present in population databases (rs778672499, gnomAD 0.03%). This variant has not been reported in the literature in individuals affected with CEP104-related conditions. ClinVar contains an entry for this variant (Variation ID: 1313935). An algorithm developed to predict the effect of missense changes on protein structure and function (PolyPhen-2) suggests that this variant¬†is likely to be tolerated. In summary, the available evidence is currently insufficient to determine the role of this variant in disease. Therefore, it has been classified as a Variant of Uncertain Significance.

GeneDx
Classification: Uncertain significance. Last evaluated: 2021-01-13. Review status: criteria provided, single submitter. Criteria: GeneDx Variant Classification Process June 2021. Collection method: clinical testing. Allele origin: germline. Affected: yes.
Comment: In silico analysis supports that this missense variant does not alter protein structure/function; Has not been previously published as pathogenic or benign to our knowledge

NM_014704.4(CEP104):c.1570C>T (p.His524Tyr)

Gene: CEP104 (centrosomal protein 104; minus strand). Cytogenetic location: 1p36.32.
Variant type: single nucleotide variant.
Coding change: c.1570C>T on transcript NM_014704.4 (MANE Select); coding-DNA position 1570, C replaced by T.
Protein change: p.His524Tyr; replaces histidine 524 with tyrosine.
Molecular consequence: missense variant.
Genome position (GRCh38, 1-based): chr1:3,833,951, G>A on the plus strand (C>T on the coding strand, the complement: CEP104 is on the minus strand). VCF-style: chr1-3833951-G-A. GRCh37 (hg19) VCF-style: chr1-3750515-G-A.
Other names: short protein forms H524Y.
Identifiers: ClinVar variation 1313935 (VCV001313935.6), dbSNP rs778672499, ClinGen allele CA551571.
Genomic context (GRCh38, chr1:3,833,951, plus strand): 5'-GGCGGGCAGAAGAATCTCCAGTTCTGGTGAGCAAAACGGGAATGGTCCTCTCCACACAGT[G>A]AGCTGTTTCAAGTTTACTCAGTTTATGTTTAGGAATATATTGTGTAATGATCATTTTCAA-3'
Protein context (NP_055519.1, residues 514-534): KHKLSKLETA[His524Tyr]CVERTIPVLL